The following is an entry in ClinVar:

NM_001396959.1(TBC1D1):c.2706A>G (p.Glu902=)

Gene: TBC1D1 (TBC1 domain family member 1; plus strand). Cytogenetic location: 4p14.
Variant type: single nucleotide variant.
Coding change: c.2706A>G on transcript NM_001396959.1 (MANE Select); coding-DNA position 2706, A replaced by G.
Protein change: p.Glu902=; no amino-acid change (glutamic acid 902 retained).
Molecular consequence: synonymous variant.
Genome position (GRCh38, 1-based): chr4:38,103,024, A>G. VCF-style: chr4-38103024-A-G. GRCh37 (hg19) VCF-style: chr4-38104645-A-G.
Other names: c.2706A>G, p.Glu902= (NM_001253912.2); c.2424A>G, p.Glu808= (NM_015173.4).
Identifiers: ClinVar variation 741393 (VCV000741393.6), dbSNP rs148353711, ClinGen allele CA2888100.

ClinVar aggregate classification (germline): Likely benign. Review status: criteria provided, single submitter (1 of 4 stars). 2 submissions from 2 submitters: Likely benign (1). 1 of the submissions does not count toward it. Last evaluated 2018-04-20.

Conditions:
TBC1D1-related disorder. Also called: TBC1D1-related condition.

Allele frequency attached by ClinVar (database versions not stated): gnomAD exomes 0.00006 and 0.00023; ExAC 0.00029; ESP Exome Variant Server 0.00038; gnomAD 0.00072 and 0.00073; TOPMed 0.00077; 1000 Genomes Project 0.00080; 1000 Genomes Project 30x 0.00109.
gnomAD v4.1: 207 of 1,614,076 alleles (0.013%); highest among the groups gnomAD compares: African/African-American, 0.2%; no homozygotes.

Submissions (2):

Labcorp Genetics (formerly Invitae), Labcorp
Classification: Likely benign. Last evaluated: 2018-04-20. Review status: criteria provided, single submitter. Criteria: Invitae Variant Classification Sherloc (09022015). Collection method: clinical testing. Allele origin: germline.

PreventionGenetics, part of Exact Sciences
Classification: Likely benign for TBC1D1-related condition. Last evaluated: 2022-04-28. Review status: no assertion criteria provided. Collection method: clinical testing. Allele origin: germline. Not counted in ClinVar's aggregate classification.
Comment: This variant is classified as likely benign based on ACMG/AMP sequence variant interpretation guidelines (Richards et al. 2015 PMID: 25741868, with internal and published modifications).